The following is an entry in ClinVar:

NM_000342.4(SLC4A1):c.*135G>A

Gene: SLC4A1 (solute carrier family 4 member 1 (Diego blood group); minus strand). Cytogenetic location: 17q21.31.
Variant type: single nucleotide variant.
Coding change: c.*135G>A on transcript NM_000342.4 (MANE Select); 135 bases downstream of the stop codon, G replaced by A.
Molecular consequence: 3 prime UTR variant.
Genome position (GRCh38, 1-based): chr17:44,250,323, C>T on the plus strand (G>A on the coding strand, the complement: SLC4A1 is on the minus strand). VCF-style: chr17-44250323-C-T. GRCh37 (hg19) VCF-style: chr17-42327691-C-T.
Identifiers: ClinVar variation 323500 (VCV000323500.6), dbSNP rs566741511, ClinGen allele CA10645800.

ClinVar aggregate classification (germline): Benign. Review status: criteria provided, multiple submitters, no conflicts (2 of 4 stars). 4 submissions from 2 submitters: Benign (4). Last evaluated 2018-01-13.

Conditions:
Hereditary spherocytosis type 4. Also called: SLC4A1-Related Spherocytosis. Identifiers: Orphanet 822, MedGen C2675212, MONDO:0012981, OMIM 612653.
Autosomal dominant distal renal tubular acidosis (DRTA1). Also called: RTA, CLASSIC TYPE; RTA, DISTAL TYPE, AUTOSOMAL DOMINANT; RTA, GRADIENT TYPE; Renal Tubular Acidosis, Type I; RENAL TUBULAR ACIDOSIS, DISTAL, 1. Identifiers: Orphanet 93608, MedGen CN280572, MONDO:0008368, OMIM 179800.
Hemolytic anemia. Identifiers: MedGen C0002878, MONDO:0003664, HP:0001878.

Allele frequency attached by ClinVar (database versions not stated): gnomAD 0.00004 and 0.00083; TOPMed 0.00006; 1000 Genomes Project 30x 0.00437; 1000 Genomes Project 0.00479.
gnomAD v4.1: 1,635 of 751,522 alleles (0.22%); highest among the groups gnomAD compares: South Asian, 2.3%; 26 homozygotes.

Submissions (4):

Illumina Laboratory Services, Illumina
Classification: Benign for Autosomal dominant distal renal tubular acidosis. Last evaluated: 2018-01-13. Review status: criteria provided, single submitter. Criteria: ICSL Variant Classification Criteria 13 December 2019. Collection method: clinical testing. Allele origin: germline.
Comment: This variant was observed in the ICSL laboratory as part of a predisposition screen in an ostensibly healthy population. It had not been previously curated by ICSL or reported in the Human Gene Mutation Database (HGMD: prior to June 1st, 2018), and was therefore a candidate for classification through an automated scoring system. Utilizing variant allele frequency, disease prevalence and penetrance estimates, and inheritance mode, an automated score was calculated to assess if this variant is too frequent to cause the disease. Based on the score and internal cut-off values, a variant classified as benign is not then subjected to further curation. The score for this variant resulted in a classification of benign for this disease.

Illumina Laboratory Services, Illumina
Classification: Benign for Hereditary spherocytosis type 4. Last evaluated: 2018-01-13. Review status: criteria provided, single submitter. Criteria: ICSL Variant Classification Criteria 13 December 2019. Collection method: clinical testing. Allele origin: germline.
Comment: the same text as in the submission from Illumina Laboratory Services, Illumina above.

Illumina Laboratory Services, Illumina
Classification: Benign for Hemolytic anemia. Last evaluated: 2018-01-13. Review status: criteria provided, single submitter. Criteria: ICSL Variant Classification Criteria 13 December 2019. Collection method: clinical testing. Allele origin: germline.
Comment: the same text as in the submission from Illumina Laboratory Services, Illumina above.

Breakthrough Genomics
Classification: Benign. Review status: criteria provided, single submitter. Criteria: ACMG Guidelines, 2015. Collection method: not provided. Allele origin: germline. Inheritance: Autosomal recessive inheritance. Affected: yes.